The following is an entry in ClinVar:

NM_024529.5(CDC73):c.272G>A (p.Arg91Gln)

Gene: CDC73 (cell division cycle 73; plus strand). Cytogenetic location: 1q31.2.
Variant type: single nucleotide variant.
Coding change: c.272G>A on transcript NM_024529.5 (MANE Select); coding-DNA position 272, G replaced by A.
Protein change: p.Arg91Gln; replaces arginine 91 with glutamine.
Molecular consequence: missense variant.
Genome position (GRCh38, 1-based): chr1:193,130,208, G>A. VCF-style: chr1-193130208-G-A. GRCh37 (hg19) VCF-style: chr1-193099338-G-A.
Other names: short protein forms R91Q.
Identifiers: ClinVar variation 3652620 (VCV003652620.2).

ClinVar aggregate classification (germline): Uncertain significance (1 of 4 stars; one submission).

Conditions:
Parathyroid carcinoma (PRTC). Also called: Parathyroid gland carcinoma; CDC73-Related Parathyroid Carcinoma. Identifiers: Orphanet 143, MedGen C0687150, MONDO:0012004, OMIM 608266, HP:0006780.

Submission:

Labcorp Genetics (formerly Invitae), Labcorp
Classification: Uncertain significance for Parathyroid carcinoma. Last evaluated: 2024-05-08. Review status: criteria provided, single submitter. Criteria: Invitae Variant Classification Sherloc (09022015). Collection method: clinical testing. Allele origin: germline.
Comment: This sequence change replaces arginine, which is basic and polar, with glutamine, which is neutral and polar, at codon 91 of the CDC73 protein (p.Arg91Gln). This variant is not present in population databases (gnomAD no frequency). This variant has not been reported in the literature in individuals affected with CDC73-related conditions. Advanced modeling of protein sequence and biophysical properties (such as structural, functional, and spatial information, amino acid conservation, physicochemical variation, residue mobility, and thermodynamic stability) performed at Invitae indicates that this missense variant is expected to disrupt CDC73 protein function with a positive predictive value of 80%. In summary, the available evidence is currently insufficient to determine the role of this variant in disease. Therefore, it has been classified as a Variant of Uncertain Significance.